The following is an entry in ClinVar:

ClinVar aggregate classification (germline): Uncertain significance. Review status: criteria provided, multiple submitters, no conflicts (2 of 4 stars). 2 submissions from 2 submitters: Uncertain significance (2). Last evaluated 2022-08-22.

Allele frequency attached by ClinVar (database versions not stated): gnomAD exomes below 0.00001; ExAC 0.00001; TOPMed 0.00001.
gnomAD v4.1: 4 of 1,613,516 alleles (0.00025%); highest among the groups gnomAD compares: Admixed American, 0.0017%; no homozygotes.

Submissions (2):

Labcorp Genetics (formerly Invitae), Labcorp
Classification: Uncertain significance. Last evaluated: 2022-08-22. Review status: criteria provided, single submitter. Criteria: Invitae Variant Classification Sherloc (09022015). Collection method: clinical testing. Allele origin: germline.
Comment: In summary, the available evidence is currently insufficient to determine the role of this variant in disease. Therefore, it has been classified as a Variant of Uncertain Significance. Algorithms developed to predict the effect of missense changes on protein structure and function (SIFT, PolyPhen-2, Align-GVGD) all suggest that this variant is likely to be disruptive. This variant has not been reported in the literature in individuals affected with TTLL5-related conditions. This variant is present in population databases (rs751664317, gnomAD 0.003%). This sequence change replaces histidine, which is basic and polar, with tyrosine, which is neutral and polar, at codon 121 of the TTLL5 protein (p.His121Tyr).

Blueprint Genetics
Classification: Uncertain significance. Last evaluated: 2019-07-05. Review status: criteria provided, single submitter. Criteria: ACMG Guidelines, 2015. Collection method: clinical testing. Allele origin: germline.

NM_015072.5(TTLL5):c.361C>T (p.His121Tyr)

Gene: TTLL5 (tubulin tyrosine ligase like 5; plus strand). Cytogenetic location: 14q24.3.
Variant type: single nucleotide variant.
Coding change: c.361C>T on transcript NM_015072.5 (MANE Select); coding-DNA position 361, C replaced by T.
Protein change: p.His121Tyr; replaces histidine 121 with tyrosine.
Molecular consequence: missense variant.
Genome position (GRCh38, 1-based): chr14:75,683,646, C>T. VCF-style: chr14-75683646-C-T. GRCh37 (hg19) VCF-style: chr14-76149989-C-T.
Other names: short protein forms H121Y.
Identifiers: ClinVar variation 1939538 (VCV001939538.6), dbSNP rs751664317, ClinGen allele CA7278896.